The following is an entry in ClinVar:

NM_033380.3(COL4A5):c.1103G>A (p.Gly368Glu)

Gene: COL4A5 (collagen type IV alpha 5 chain; plus strand). Cytogenetic location: Xq22.3.
Variant type: single nucleotide variant.
Coding change: c.1103G>A on transcript NM_033380.3 (MANE Select); coding-DNA position 1103, G replaced by A.
Protein change: p.Gly368Glu; replaces glycine 368 with glutamic acid.
Molecular consequence: missense variant.
Genome position (GRCh38, 1-based): chrX:108,586,685, G>A. VCF-style: chrX-108586685-G-A. GRCh37 (hg19) VCF-style: chrX-107829915-G-A.
Other names: c.1103G>A, p.Gly368Glu (NM_000495.5); short protein forms G368E.
Identifiers: ClinVar variation 1066838 (VCV001066838.10), dbSNP rs752609517, ClinGen allele CA10488679.
Genomic context (GRCh38, chrX:108,586,685, plus strand): 5'-GACCTGGGACTGGTATAACTATAGGAGAAAAAGGAAACATTGGGTTGCCTGGGTTGCCTG[G>A]AGAAAAAGGAGAGCGAGGATTTCCTGGAATACAGGGTCCACCTGGCCTTCCTGGACCTCC-3'
Protein context (NP_203699.1, residues 358-378): KGNIGLPGLP[Gly368Glu]EKGERGFPGI

ClinVar aggregate classification (germline): Likely pathogenic. Review status: criteria provided, multiple submitters, no conflicts (2 of 4 stars). 2 submissions from 2 submitters: Likely pathogenic (2). Last evaluated 2021-09-02.

Conditions:
COL4A5-related disorders.

Submissions (2):

Blueprint Genetics
Classification: Likely pathogenic for COL4A5-related disorders. Last evaluated: 2021-09-02. Review status: criteria provided, single submitter. Criteria: ACMG Guidelines, 2015. Collection method: clinical testing. Allele origin: germline. Affected: yes. Observed: 1 variant allele.

Labcorp Genetics (formerly Invitae), Labcorp
Classification: Likely pathogenic. Last evaluated: 2020-11-25. Review status: criteria provided, single submitter. Criteria: Invitae Variant Classification Sherloc (09022015). Collection method: clinical testing. Allele origin: germline.
Comment: In summary, the currently available evidence indicates that the variant is pathogenic, but additional data are needed to prove that conclusively. Therefore, this variant has been classified as Likely Pathogenic. Glycine residues within the Gly-Xaa-Yaa repeats of the triple helix domain are required for the structure and stability of fibrillar collagens (PMID: 7695699, 8218237, 19344236). In COL4A5, missense variants at these glycine residues are significantly enriched in individuals with disease (PMID: 23720012, 27627812) compared to the general population (ExAC). This variant has been observed in individual(s) with Alport syndrome (Invitae). The frequency data for this variant in the population databases is considered unreliable, as metrics indicate poor data quality at this position in the ExAC database. This sequence change replaces glycine with glutamic acid at codon 368 of the COL4A5 protein (p.Gly368Glu). The glycine residue is moderately conserved and there is a moderate physicochemical difference between glycine and glutamic acid.

Literature cited by the submitters: PubMed 7695699 (cited by Labcorp Genetics (formerly Invitae), Labcorp); PubMed 8218237 (cited by Labcorp Genetics (formerly Invitae), Labcorp); PubMed 19344236 (cited by Labcorp Genetics (formerly Invitae), Labcorp); PubMed 23720012 (cited by Labcorp Genetics (formerly Invitae), Labcorp); PubMed 27627812 (cited by Labcorp Genetics (formerly Invitae), Labcorp).